The following is an entry in ClinVar:

ClinVar aggregate classification (germline): Benign. Review status: criteria provided, multiple submitters, no conflicts (2 of 4 stars). 6 submissions from 6 submitters: Benign (6). Last evaluated 2026-05-12.

Conditions:
Hypogonadotropic hypogonadism 3 with or without anosmia (HH3). Also called: HYPOGONADOTROPIC HYPOGONADISM 3 WITH ANOSMIA; PROKR2-Related GnRH Deficiency (Kallmann Syndrome 3). Identifiers: Orphanet 478, MedGen C3550478, MONDO:0009482, OMIM 244200.

Allele frequency attached by ClinVar (database versions not stated): ESP Exome Variant Server 0.00008; gnomAD 0.00085 and 0.00220; ExAC 0.00647; 1000 Genomes Project 0.01218; 1000 Genomes Project 30x 0.01109; gnomAD exomes 0.00257 and 0.00614; TOPMed 0.00315.
gnomAD v4.1: 4,164 of 1,614,086 alleles (0.26%); highest among the groups gnomAD compares: South Asian, 2.8%; 82 homozygotes.

Submissions (6):

Women's Health and Genetics/Laboratory Corporation of America, LabCorp
Classification: Benign. Last evaluated: 2026-05-12. Review status: criteria provided, single submitter. Criteria: LabCorp Variant Classification Summary - May 2015. Collection method: clinical testing. Allele origin: germline.

Labcorp Genetics (formerly Invitae), Labcorp
Classification: Benign. Last evaluated: 2026-01-24. Review status: criteria provided, single submitter. Criteria: Invitae Variant Classification Sherloc (09022015). Collection method: clinical testing. Allele origin: germline.

Fulgent Genetics
Classification: Benign for Hypogonadotropic hypogonadism 3 with or without anosmia. Last evaluated: 2021-08-12. Review status: criteria provided, single submitter. Criteria: ACMG Guidelines, 2015. Collection method: clinical testing. Allele origin: unknown.

Illumina Laboratory Services, Illumina
Classification: Benign for Hypogonadotropic hypogonadism 3 with or without anosmia. Last evaluated: 2018-01-13. Review status: criteria provided, single submitter. Criteria: ICSL Variant Classification Criteria 13 December 2019. Collection method: clinical testing. Allele origin: germline.
Comment: This variant was observed in the ICSL laboratory as part of a predisposition screen in an ostensibly healthy population. It had not been previously curated by ICSL or reported in the Human Gene Mutation Database (HGMD: prior to June 1st, 2018), and was therefore a candidate for classification through an automated scoring system. Utilizing variant allele frequency, disease prevalence and penetrance estimates, and inheritance mode, an automated score was calculated to assess if this variant is too frequent to cause the disease. Based on the score and internal cut-off values, a variant classified as benign is not then subjected to further curation. The score for this variant resulted in a classification of benign for this disease.

GeneDx
Classification: Benign. Last evaluated: 2015-03-18. Review status: criteria provided, single submitter. Criteria: GeneDx Variant Classification (06012015). Collection method: clinical testing. Allele origin: germline. Affected: yes.
Comment: This variant is considered likely benign or benign based on one or more of the following criteria: it is a conservative change, it occurs at a poorly conserved position in the protein, it is predicted to be benign by multiple in silico algorithms, and/or has population frequency not consistent with disease.

Breakthrough Genomics
Classification: Benign. Review status: criteria provided, single submitter. Criteria: ACMG Guidelines, 2015. Collection method: not provided. Allele origin: germline. Inheritance: Autosomal dominant inheritance. Affected: yes.

NM_144773.4(PROKR2):c.1122C>A (p.Thr374=)

Gene: PROKR2 (prokineticin receptor 2; minus strand). Cytogenetic location: 20p12.3.
Variant type: single nucleotide variant.
Coding change: c.1122C>A on transcript NM_144773.4 (MANE Select); coding-DNA position 1122, C replaced by A.
Protein change: p.Thr374=; no amino-acid change (threonine 374 retained).
Molecular consequence: synonymous variant.
Genome position (GRCh38, 1-based): chr20:5,302,073, G>T on the plus strand (C>A on the coding strand, the complement: PROKR2 is on the minus strand). VCF-style: chr20-5302073-G-T. GRCh37 (hg19) VCF-style: chr20-5282719-G-T.
Identifiers: ClinVar variation 338851 (VCV000338851.16), dbSNP rs76469093, ClinGen allele CA9754194.